The following is an entry in ClinVar:

ClinVar aggregate classification (germline): Uncertain significance (1 of 4 stars; one submission).

Conditions:
Hereditary cancer-predisposing syndrome. Also called: Neoplastic Syndromes, Hereditary; Tumor predisposition; Hereditary Cancer Syndrome; Hereditary neoplastic syndrome. Identifiers: Orphanet 140162, MedGen C0027672, MeSH D009386, MONDO:0015356.

Submission:

Ambry Genetics
Classification: Uncertain significance for Hereditary cancer-predisposing syndrome. Last evaluated: 2024-12-07. Review status: criteria provided, single submitter. Criteria: Ambry Variant Classification Scheme 2023. Collection method: clinical testing. Allele origin: germline.
Comment: The p.V540L variant (also known as c.1618G>C), located in coding exon 15 of the POLE gene, results from a G to C substitution at nucleotide position 1618. The valine at codon 540 is replaced by leucine, an amino acid with highly similar properties. This amino acid position is conserved. In addition, the in silico prediction for this alteration is inconclusive. Based on the available evidence, the clinical significance of this variant remains unclear.

NM_006231.4(POLE):c.1618G>C (p.Val540Leu)

Gene: POLE (DNA polymerase epsilon, catalytic subunit; minus strand). Cytogenetic location: 12q24.33.
Variant type: single nucleotide variant.
Coding change: c.1618G>C on transcript NM_006231.4 (MANE Select); coding-DNA position 1618, G replaced by C.
Protein change: p.Val540Leu; replaces valine 540 with leucine.
Molecular consequence: missense variant.
Genome position (GRCh38, 1-based): chr12:132,672,695, C>G on the plus strand (G>C on the coding strand, the complement: POLE is on the minus strand). VCF-style: chr12-132672695-C-G. GRCh37 (hg19) VCF-style: chr12-133249281-C-G.
Other names: short protein forms V540L.
Identifiers: ClinVar variation 3422071 (VCV003422071.1).